The following is an entry in ClinVar:

ClinVar aggregate classification (germline): Uncertain significance (1 of 4 stars; one submission).

Conditions:
Cardiovascular phenotype. Identifiers: MedGen CN230736.

Submission:

Ambry Genetics
Classification: Uncertain significance for Cardiovascular phenotype. Last evaluated: 2023-03-03. Review status: criteria provided, single submitter. Criteria: Ambry Variant Classification Scheme 2023. Collection method: clinical testing. Allele origin: germline.
Comment: The p.L455R variant (also known as c.1364T>G), located in coding exon 16 of the MYBPC3 gene, results from a T to G substitution at nucleotide position 1364. The leucine at codon 455 is replaced by arginine, an amino acid with dissimilar properties. This amino acid position is conserved. In addition, this alteration is predicted to be tolerated by in silico analysis. Since supporting evidence is limited at this time, the clinical significance of this alteration remains unclear.

NM_000256.3(MYBPC3):c.1364T>G (p.Leu455Arg)

Gene: MYBPC3 (myosin binding protein C3; minus strand). Cytogenetic location: 11p11.2.
Variant type: single nucleotide variant.
Coding change: c.1364T>G on transcript NM_000256.3 (MANE Select); coding-DNA position 1364, T replaced by G.
Protein change: p.Leu455Arg; replaces leucine 455 with arginine.
Molecular consequence: missense variant.
Genome position (GRCh38, 1-based): chr11:47,342,923, A>C on the plus strand (T>G on the coding strand, the complement: MYBPC3 is on the minus strand). VCF-style: chr11-47342923-A-C. GRCh37 (hg19) VCF-style: chr11-47364474-A-C.
Other names: short protein forms L455R.
Identifiers: ClinVar variation 2448110 (VCV002448110.2), dbSNP rs2495763596, ClinGen allele CA380326372.